The following is an entry in ClinVar:

ClinVar aggregate classification (germline): Uncertain significance (1 of 4 stars; one submission).

Conditions:
Dilated cardiomyopathy 1JJ (CMD1JJ). Identifiers: Orphanet 154, MedGen C3808935, MONDO:0014095, OMIM 615235.

gnomAD v4.1: 4 of 1,614,050 alleles (0.00025%); highest among the groups gnomAD compares: South Asian, 0.0033%; no homozygotes.

Submission:

Labcorp Genetics (formerly Invitae), Labcorp
Classification: Uncertain significance for Dilated cardiomyopathy 1JJ. Last evaluated: 2026-01-06. Review status: criteria provided, single submitter. Criteria: Invitae Variant Classification Sherloc (09022015). Collection method: clinical testing. Allele origin: germline.
Comment: This sequence change replaces aspartic acid, which is acidic and polar, with asparagine, which is neutral and polar, at codon 1563 of the LAMA4 protein (p.Asp1563Asn). This variant is not present in population databases (gnomAD no frequency). This variant has not been reported in the literature in individuals affected with LAMA4-related conditions. Invitae Evidence Modeling of protein sequence and biophysical properties (such as structural, functional, and spatial information, amino acid conservation, physicochemical variation, residue mobility, and thermodynamic stability) indicates that this missense variant is not expected to disrupt LAMA4 protein function with a negative predictive value of 80%. In summary, the available evidence is currently insufficient to determine the role of this variant in disease. Therefore, it has been classified as a Variant of Uncertain Significance.

NM_001105206.3(LAMA4):c.4708G>A (p.Asp1570Asn)

Gene: LAMA4 (laminin subunit alpha 4; minus strand). Cytogenetic location: 6q21.
Variant type: single nucleotide variant.
Coding change: c.4708G>A on transcript NM_001105206.3 (MANE Select); coding-DNA position 4708, G replaced by A.
Protein change: p.Asp1570Asn; replaces aspartic acid 1570 with asparagine.
Molecular consequence: missense variant.
Genome position (GRCh38, 1-based): chr6:112,119,269, C>T on the plus strand (G>A on the coding strand, the complement: LAMA4 is on the minus strand). VCF-style: chr6-112119269-C-T. GRCh37 (hg19) VCF-style: chr6-112440472-C-T.
Other names: c.4687G>A, p.Asp1563Asn (NM_001105207.3, NM_002290.5); short protein forms D1570N, D1563N.
Identifiers: ClinVar variation 4753444 (VCV004753444.1).